The following is an entry in ClinVar:

NM_015021.3(ZNF292):c.4519G>A (p.Glu1507Lys)

Gene: ZNF292 (zinc finger protein 292; plus strand). Cytogenetic location: 6q14.3.
Variant type: single nucleotide variant.
Coding change: c.4519G>A on transcript NM_015021.3 (MANE Select); coding-DNA position 4519, G replaced by A.
Protein change: p.Glu1507Lys; replaces glutamic acid 1507 with lysine.
Molecular consequence: missense variant.
Genome position (GRCh38, 1-based): chr6:87,258,148, G>A. VCF-style: chr6-87258148-G-A. GRCh37 (hg19) VCF-style: chr6-87967866-G-A.
Other names: c.4099G>A, p.Glu1367Lys (NM_001351444.2); short protein forms E1367K, E1507K.
Identifiers: ClinVar variation 2673071 (VCV002673071.23), dbSNP rs750773292, ClinGen allele CA3914317.

ClinVar aggregate classification (germline): Likely benign (1 of 4 stars; one submission).

Allele frequency attached by ClinVar (database versions not stated): gnomAD 0.00003; TOPMed 0.00003; gnomAD exomes 0.00004; ExAC 0.00010.
gnomAD v4.1: 62 of 1,611,648 alleles (0.0038%); highest among the groups gnomAD compares: Middle Eastern, 0.033%; no homozygotes.

Submission:

CeGaT Center for Human Genetics Tuebingen
Classification: Likely benign. Last evaluated: 2024-10-01. Review status: criteria provided, single submitter. Criteria: CeGaT Center For Human Genetics Tuebingen Variant Classification Criteria Version 2. Collection method: clinical testing. Allele origin: germline. Affected: yes. Observed: 2 variant alleles.
Comment: ZNF292: BP4